The following is an entry in ClinVar:

ClinVar aggregate classification (germline): Uncertain significance (1 of 4 stars; one submission).

Conditions:
Hereditary spastic paraplegia 53. Also called: Spastic paraplegia 53, autosomal recessive. Identifiers: Orphanet 319199, MedGen C3539494, MONDO:0013962, OMIM 614898.

Allele frequency attached by ClinVar (database versions not stated): ExAC 0.00001; gnomAD exomes below 0.00001.
gnomAD v4.1: 1 of 1,610,428 alleles (0.000062%); highest among the groups gnomAD compares: Non-Finnish European, 0.000085%; no homozygotes.

Submission:

Labcorp Genetics (formerly Invitae), Labcorp
Classification: Uncertain significance for Hereditary spastic paraplegia 53. Last evaluated: 2026-02-02. Review status: criteria provided, single submitter. Criteria: Invitae Variant Classification Sherloc (09022015). Collection method: clinical testing. Allele origin: germline.
Comment: This sequence change falls in intron 5 of the VPS37A gene. It does not directly change the encoded amino acid sequence of the VPS37A protein. This variant is present in population databases (rs769392659, gnomAD 0.0009%). This variant has not been reported in the literature in individuals affected with VPS37A-related conditions. ClinVar contains an entry for this variant (Variation ID: 1977806). Algorithms developed to predict the effect of sequence changes on RNA splicing suggest that this variant may disrupt the consensus splice site. In summary, the available evidence is currently insufficient to determine the role of this variant in disease. Therefore, it has been classified as a Variant of Uncertain Significance.

NM_152415.3(VPS37A):c.642+7A>G

Gene: VPS37A (VPS37A subunit of ESCRT-I; plus strand). Cytogenetic location: 8p22.
Variant type: single nucleotide variant.
Coding change: c.642+7A>G on transcript NM_152415.3 (MANE Select); 7 bases into the intron after coding-DNA position 642, A replaced by G.
Molecular consequence: intron variant.
Genome position (GRCh38, 1-based): chr8:17,274,965, A>G. VCF-style: chr8-17274965-A-G. GRCh37 (hg19) VCF-style: chr8-17132474-A-G.
Other names: c.372+7A>G (NM_001363172.2, NM_001363168.1, NM_001363170.1 and 2 more transcripts); c.642+7A>G (NM_001363173.2, NM_001363167.1); c.567+7A>G (NM_001145152.2).
Identifiers: ClinVar variation 1977806 (VCV001977806.5), dbSNP rs769392659, ClinGen allele CA4643376.